The following is an entry in ClinVar:

ClinVar aggregate classification (germline): Conflicting classifications of pathogenicity. Review status: criteria provided, conflicting classifications (1 of 4 stars). 3 submissions from 3 submitters: Uncertain significance (2); Likely benign (1). Last evaluated 2025-10-09.

Conditions:
CACNA1F-related disorder. Also called: CACNA1F-related condition.

Allele frequency attached by ClinVar (database versions not stated): ExAC below 0.00001; gnomAD exomes 0.00003 and 0.00008; gnomAD 0.00005; TOPMed 0.00007.
gnomAD v4.1: 86 of 1,202,518 alleles (0.0072%); highest among the groups gnomAD compares: Non-Finnish European, 0.0077%; no homozygotes.

Submissions (3):

Labcorp Genetics (formerly Invitae), Labcorp
Classification: Uncertain significance. Last evaluated: 2025-10-09. Review status: criteria provided, single submitter. Criteria: Invitae Variant Classification Sherloc (09022015). Collection method: clinical testing. Allele origin: germline.
Comment: This sequence change affects codon 1282 of the CACNA1F mRNA. It is a 'silent' change, meaning that it does not change the encoded amino acid sequence of the CACNA1F protein. This variant also falls at the last nucleotide of exon 32, which is part of the consensus splice site for this exon. This variant is present in population databases (rs782341544, gnomAD 0.01%). This variant has not been reported in the literature in individuals affected with CACNA1F-related conditions. ClinVar contains an entry for this variant (Variation ID: 852990). Variants that disrupt the consensus splice site are a relatively common cause of aberrant splicing (PMID: 17576681, 9536098). Algorithms developed to predict the effect of sequence changes on RNA splicing suggest that this variant is not likely to affect RNA splicing. In summary, the available evidence is currently insufficient to determine the role of this variant in disease. Therefore, it has been classified as a Variant of Uncertain Significance.

PreventionGenetics, part of Exact Sciences
Classification: Likely benign for CACNA1F-related condition. Last evaluated: 2024-10-13. Review status: criteria provided, single submitter. Criteria: ACMG Guidelines, 2015. Collection method: clinical testing. Allele origin: germline.
Comment: This variant is classified as likely benign based on ACMG/AMP sequence variant interpretation guidelines (Richards et al. 2015 PMID: 25741868, with internal and published modifications).

Blueprint Genetics
Classification: Uncertain significance. Last evaluated: 2022-10-26. Review status: criteria provided, single submitter. Criteria: ACMG Guidelines, 2015. Collection method: clinical testing. Allele origin: germline.

Literature cited by the submitters: PubMed 17576681 (cited by Labcorp Genetics (formerly Invitae), Labcorp); PubMed 9536098 (cited by Labcorp Genetics (formerly Invitae), Labcorp).

NM_001256789.3(CACNA1F):c.3813G>A (p.Glu1271=)

Gene: CACNA1F (calcium voltage-gated channel subunit alpha1 F; minus strand). Cytogenetic location: Xp11.23.
Variant type: single nucleotide variant.
Coding change: c.3813G>A on transcript NM_001256789.3 (MANE Select); coding-DNA position 3813, G replaced by A.
Protein change: p.Glu1271=; no amino-acid change (glutamic acid 1271 retained).
Molecular consequence: synonymous variant.
Genome position (GRCh38, 1-based): chrX:49,212,974, C>T on the plus strand (G>A on the coding strand, the complement: CACNA1F is on the minus strand). VCF-style: chrX-49212974-C-T. GRCh37 (hg19) VCF-style: chrX-49069434-C-T.
Other names: c.3651G>A, p.Glu1217= (NM_001256790.3); c.3846G>A, p.Glu1282= (NM_005183.4).
Identifiers: ClinVar variation 852990 (VCV000852990.11), dbSNP rs782341544, ClinGen allele CA10410355.